The following is an entry in ClinVar:

ClinVar aggregate classification (germline): Uncertain significance (1 of 4 stars; one submission).

Conditions:
Dystonia 12 (DYT12). Also called: DYT-ATP1A3; Rapid-Onset Dystonia-Parkinsonism (RDP). Identifiers: Orphanet 71517, MedGen C1868681, MONDO:0007496, OMIM 128235.

Allele frequency attached by ClinVar (database versions not stated): gnomAD exomes 0.00001.
gnomAD v4.1: 14 of 1,613,686 alleles (0.00087%); highest among the groups gnomAD compares: Non-Finnish European, 0.0012%; no homozygotes.

Submission:

Labcorp Genetics (formerly Invitae), Labcorp
Classification: Uncertain significance for Dystonia 12. Last evaluated: 2025-12-05. Review status: criteria provided, single submitter. Criteria: Invitae Variant Classification Sherloc (09022015). Collection method: clinical testing. Allele origin: germline.
Comment: This sequence change falls in intron 7 of the ATP1A3 gene. It does not directly change the encoded amino acid sequence of the ATP1A3 protein. It affects a nucleotide within the consensus splice site. This variant is present in population databases (no rsID available, gnomAD 0.002%). This variant has not been reported in the literature in individuals affected with ATP1A3-related conditions. ClinVar contains an entry for this variant (Variation ID: 2717125). Variants that disrupt the consensus splice site are a relatively common cause of aberrant splicing (PMID: 17576681, 9536098). Algorithms developed to predict the effect of sequence changes on RNA splicing suggest that this variant is not likely to affect RNA splicing. In summary, the available evidence is currently insufficient to determine the role of this variant in disease. Therefore, it has been classified as a Variant of Uncertain Significance.

Literature cited by the submitters: PubMed 17576681; PubMed 9536098.

NM_152296.5(ATP1A3):c.725-3C>T

Gene: ATP1A3 (ATPase Na+/K+ transporting subunit alpha 3; minus strand). Cytogenetic location: 19q13.2.
Variant type: single nucleotide variant.
Coding change: c.725-3C>T on transcript NM_152296.5 (MANE Select); 3 bases into the intron before coding-DNA position 725, C replaced by T.
Molecular consequence: intron variant.
Genome position (GRCh38, 1-based): chr19:41,985,189, G>A on the plus strand (C>T on the coding strand, the complement: ATP1A3 is on the minus strand). VCF-style: chr19-41985189-G-A. GRCh37 (hg19) VCF-style: chr19-42489341-G-A.
Other names: c.764-3C>T (NM_001256214.2); c.758-3C>T (NM_001256213.2).
Identifiers: ClinVar variation 2717125 (VCV002717125.3), dbSNP rs1555864938, ClinGen allele CA633471541.